The following is an entry in ClinVar:

ClinVar aggregate classification (germline): Uncertain significance (1 of 4 stars; one submission).

Conditions:
Hereditary cancer-predisposing syndrome. Also called: Neoplastic Syndromes, Hereditary; Tumor predisposition; Hereditary Cancer Syndrome; Hereditary neoplastic syndrome. Identifiers: Orphanet 140162, MedGen C0027672, MeSH D009386, MONDO:0015356.

gnomAD v4.1: 2 of 1,612,604 alleles (0.00012%); highest among the groups gnomAD compares: Non-Finnish European, 0.00017%; no homozygotes.

Submission:

Ambry Genetics
Classification: Uncertain significance for Hereditary cancer-predisposing syndrome. Last evaluated: 2026-05-02. Review status: criteria provided, single submitter. Criteria: Ambry Variant Classification Scheme 2023. Collection method: clinical testing. Allele origin: germline.
Comment: The p.M245T variant (also known as c.734T>C), located in coding exon 7 of the PRKAR1A gene, results from a T to C substitution at nucleotide position 734. The methionine at codon 245 is replaced by threonine, an amino acid with similar properties. This amino acid position is conserved. In addition, this alteration is predicted to be deleterious by in silico analysis. Based on the available evidence, the clinical significance of this variant remains unclear.

NM_002734.5(PRKAR1A):c.734T>C (p.Met245Thr)

Gene: PRKAR1A (protein kinase cAMP-dependent type I regulatory subunit alpha; plus strand). Cytogenetic location: 17q24.2.
Variant type: single nucleotide variant.
Coding change: c.734T>C on transcript NM_002734.5 (MANE Select); coding-DNA position 734, T replaced by C.
Protein change: p.Met245Thr; replaces methionine 245 with threonine.
Molecular consequence: missense variant.
Genome position (GRCh38, 1-based): chr17:68,527,865, T>C. VCF-style: chr17-68527865-T-C. GRCh37 (hg19) VCF-style: chr17-66524006-T-C.
Other names: c.734T>C, p.Met245Thr (NM_001276289.2, NM_001276290.1, NM_001278433.2 and 4 more transcripts); short protein forms M245T.
Identifiers: ClinVar variation 4862511 (VCV004862511.1).